The following is an entry in ClinVar:

NM_000135.4(FANCA):c.514A>C (p.Lys172Gln)

Gene: FANCA (FA complementation group A; minus strand). Cytogenetic location: 16q24.3.
Variant type: single nucleotide variant.
Coding change: c.514A>C on transcript NM_000135.4 (MANE Select); coding-DNA position 514, A replaced by C.
Protein change: p.Lys172Gln; replaces lysine 172 with glutamine.
Molecular consequence: missense variant. On other transcripts: intron variant (1).
Genome position (GRCh38, 1-based): chr16:89,810,715, T>G on the plus strand (A>C on the coding strand, the complement: FANCA is on the minus strand). VCF-style: chr16-89810715-T-G. GRCh37 (hg19) VCF-style: chr16-89877123-T-G.
Other names: c.514A>C, p.Lys172Gln (NM_001018112.3, NM_001286167.3); c.426+214A>C (NM_001351830.2); short protein forms K172Q.
Identifiers: ClinVar variation 3512690 (VCV003512690.1).

ClinVar aggregate classification (germline): Uncertain significance (1 of 4 stars; one submission).

Conditions:
Inborn genetic diseases. Identifiers: MedGen C0950123, MeSH D030342.

Submission:

Ambry Genetics
Classification: Uncertain significance for Inborn genetic diseases. Last evaluated: 2024-11-28. Review status: criteria provided, single submitter. Criteria: Ambry Variant Classification Scheme 2023. Collection method: clinical testing. Allele origin: germline.
Comment: The p.K172Q variant (also known as c.514A>C), located in coding exon 5 of the FANCA gene, results from an A to C substitution at nucleotide position 514. The lysine at codon 172 is replaced by glutamine, an amino acid with similar properties. This amino acid position is conserved. In addition, this alteration is predicted to be tolerated by in silico analysis. Based on the available evidence, the clinical significance of this variant remains unclear.